The following is an entry in ClinVar:

ClinVar aggregate classification (germline): Likely benign (1 of 4 stars; one submission).

Conditions:
Catecholaminergic polymorphic ventricular tachycardia (CVPT). Also called: Catecholamine-induced polymorphic ventricular tachycardia. Identifiers: Orphanet 3286, MedGen C5574922, MONDO:0017990.

Allele frequency attached by ClinVar (database versions not stated): gnomAD exomes below 0.00001; TOPMed below 0.00001; ExAC 0.00001.
gnomAD v4.1: 2 of 1,576,104 alleles (0.00013%); highest among the groups gnomAD compares: Non-Finnish European, 0.00017%; no homozygotes.

Submission:

All of Us Research Program, National Institutes of Health
Classification: Likely benign for Catecholaminergic polymorphic ventricular tachycardia. Last evaluated: 2023-12-13. Review status: criteria provided, single submitter. Criteria: ACMG Guidelines, 2015. Collection method: clinical testing. Allele origin: germline. Inheritance: Autosomal dominant inheritance. Observed: 1 variant allele, 1 heterozygote.
Comment: This study involves interpretation of variants in research participants for the purpose of population health screening. Participant phenotype was not available at the time of variant classification. Additional details can be found in publication PMID: 35346344, PMCID: PMC8962531

NM_001035.3(RYR2):c.11246-12T>C

Gene: RYR2 (ryanodine receptor 2; plus strand). Cytogenetic location: 1q43.
Variant type: single nucleotide variant.
Coding change: c.11246-12T>C on transcript NM_001035.3 (MANE Select); 12 bases into the intron before coding-DNA position 11246, T replaced by C.
Molecular consequence: intron variant.
Genome position (GRCh38, 1-based): chr1:237,757,685, T>C. VCF-style: chr1-237757685-T-C. GRCh37 (hg19) VCF-style: chr1-237920985-T-C.
Identifiers: ClinVar variation 3074981 (VCV003074981.1), dbSNP rs775660945, ClinGen allele CA084855.
Genomic context (GRCh38, chr1:237,757,685, plus strand): 5'-GCATTGGAGGTAGAATAGGTTAATATAGAAGGCGAAATGATATAAGGAACACTACTTTTT[T>C]ATATTTCTTAGGTGAAACTGGACCAATGGTAGCAGCTACTCTGAAACTTGGAATTGCTAT-3'